The following is an entry in ClinVar:

NM_000206.3(IL2RG):c.252C>A (p.Asn84Lys)

Gene: IL2RG (interleukin 2 receptor subunit gamma; minus strand). Cytogenetic location: Xq13.1.
Variant type: single nucleotide variant.
Coding change: c.252C>A on transcript NM_000206.3 (MANE Select); coding-DNA position 252, C replaced by A.
Protein change: p.Asn84Lys; replaces asparagine 84 with lysine.
Molecular consequence: missense variant.
Genome position (GRCh38, 1-based): chrX:71,110,914, G>T on the plus strand (C>A on the coding strand, the complement: IL2RG is on the minus strand). VCF-style: chrX-71110914-G-T. GRCh37 (hg19) VCF-style: chrX-70330764-G-T.
Other names: short protein forms N84K.
Identifiers: ClinVar variation 1303855 (VCV001303855.2), dbSNP rs1356632210, ClinGen allele CA413496996.

ClinVar aggregate classification (germline): Uncertain significance (1 of 4 stars; one submission).

Submission:

GeneDx
Classification: Uncertain significance. Last evaluated: 2021-03-17. Review status: criteria provided, single submitter. Criteria: GeneDx Variant Classification Process June 2021. Collection method: clinical testing. Allele origin: germline. Affected: yes.
Comment: Not observed in large population cohorts (Lek et al., 2016); In silico analysis supports that this missense variant has a deleterious effect on protein structure/function; This variant is associated with the following publications: (PMID: 31100039, 28747913)